The following is an entry in ClinVar:

NM_017866.6(TMEM70):c.379A>G (p.Thr127Ala)

Gene: TMEM70 (transmembrane protein 70; plus strand). Cytogenetic location: 8q21.11.
Variant type: single nucleotide variant.
Coding change: c.379A>G on transcript NM_017866.6 (MANE Select); coding-DNA position 379, A replaced by G.
Protein change: p.Thr127Ala; replaces threonine 127 with alanine.
Molecular consequence: missense variant. On other transcripts: 3 prime UTR variant (1), non-coding transcript variant (1).
Genome position (GRCh38, 1-based): chr8:73,981,217, A>G. VCF-style: chr8-73981217-A-G. GRCh37 (hg19) VCF-style: chr8-74893452-A-G.
Other names: p.T127A:ACA>GCA; c.*69A>G (NM_001040613.3); short protein forms T127A.
Identifiers: ClinVar variation 137678 (VCV000137678.21), dbSNP rs61734099, ClinGen allele CA291331.

ClinVar aggregate classification (germline): Benign. Review status: criteria provided, multiple submitters, no conflicts (2 of 4 stars). 5 submissions from 5 submitters: Benign (4). 1 of the submissions does not count toward it. Last evaluated 2026-02-04.

Conditions:
Mitochondrial complex V (ATP synthase) deficiency, nuclear type 2. Also called: ENCEPHALOCARDIOMYOPATHY, MITOCHONDRIAL, NEONATAL, DUE TO ATP SYNTHASE DEFICIENCY; MITOCHONDRIAL COMPLEX V (ATP SYNTHASE) DEFICIENCY, TMEM70 TYPE; Nuclear-Encoded ATPase Deficiency, TMEM70-Related. Identifiers: Orphanet 1194, MedGen C3279699, MONDO:0013546, OMIM 614052.

Allele frequency attached by ClinVar (database versions not stated): ESP Exome Variant Server 0.00131; gnomAD 0.01433 and 0.01526; TOPMed 0.02419; ExAC 0.02421; 1000 Genomes Project 0.02895; 1000 Genomes Project 30x 0.03029; gnomAD exomes 0.03235.
gnomAD v4.1: 13,413 of 1,614,150 alleles (0.83%); highest among the groups gnomAD compares: Admixed American, 18%; 1,258 homozygotes.

Submissions (5):

Labcorp Genetics (formerly Invitae), Labcorp
Classification: Benign for Mitochondrial complex V (ATP synthase) deficiency, nuclear type 2. Last evaluated: 2026-02-04. Review status: criteria provided, single submitter. Criteria: Invitae Variant Classification Sherloc (09022015). Collection method: clinical testing. Allele origin: germline.

Illumina Laboratory Services, Illumina
Classification: Benign for Mitochondrial complex V (ATP synthase) deficiency, nuclear type 2. Last evaluated: 2018-01-13. Review status: criteria provided, single submitter. Criteria: ICSL Variant Classification Criteria 13 December 2019. Collection method: clinical testing. Allele origin: germline.
Comment: This variant was observed in the ICSL laboratory as part of a predisposition screen in an ostensibly healthy population. It had not been previously curated by ICSL or reported in the Human Gene Mutation Database (HGMD: prior to June 1st, 2018), and was therefore a candidate for classification through an automated scoring system. Utilizing variant allele frequency, disease prevalence and penetrance estimates, and inheritance mode, an automated score was calculated to assess if this variant is too frequent to cause the disease. Based on the score and internal cut-off values, a variant classified as benign is not then subjected to further curation. The score for this variant resulted in a classification of benign for this disease.

GeneDx
Classification: Benign. Last evaluated: 2014-01-27. Review status: criteria provided, single submitter. Criteria: GeneDx Variant Classification (06012015). Collection method: clinical testing. Allele origin: germline. Affected: yes.
Comment: This variant is considered likely benign or benign based on one or more of the following criteria: it is a conservative change, it occurs at a poorly conserved position in the protein, it is predicted to be benign by multiple in silico algorithms, and/or has population frequency not consistent with disease.

Breakthrough Genomics
Classification: Benign. Review status: criteria provided, single submitter. Criteria: ACMG Guidelines, 2015. Collection method: not provided. Allele origin: germline. Inheritance: Autosomal recessive inheritance. Affected: yes.

Mayo Clinic Laboratories, Mayo Clinic
Classification: Benign. Last evaluated: 2016-02-23. Review status: no assertion criteria provided. Collection method: clinical testing. Allele origin: unknown. Not counted in ClinVar's aggregate classification.